The following is an entry in ClinVar:

NM_001099922.3(ALG13):c.1843C>T (p.Leu615=)

Gene: ALG13 (ALG13 UDP-N-acetylglucosaminyltransferase subunit; plus strand). Cytogenetic location: Xq23.
Variant type: single nucleotide variant.
Coding change: c.1843C>T on transcript NM_001099922.3 (MANE Select); coding-DNA position 1843, C replaced by T.
Protein change: p.Leu615=; no amino-acid change (leucine 615 retained).
Molecular consequence: synonymous variant. On other transcripts: non-coding transcript variant (1).
Genome position (GRCh38, 1-based): chrX:111,726,922, C>T. VCF-style: chrX-111726922-C-T. GRCh37 (hg19) VCF-style: chrX-110970150-C-T.
Other names: c.1531C>T, p.Leu511= (NM_001257230.2, NM_001257234.2, NM_001257237.2); c.1609C>T, p.Leu537= (NM_001257231.2); c.1843C>T, p.Leu615= (NM_001324292.2); c.1357C>T, p.Leu453= (NM_001324293.1).
Identifiers: ClinVar variation 387670 (VCV000387670.18), dbSNP rs374231091, ClinGen allele CA10493776.

ClinVar aggregate classification (germline): Benign/Likely benign. Review status: criteria provided, multiple submitters, no conflicts (2 of 4 stars). 6 submissions from 6 submitters: Benign (2); Likely benign (3). 1 of the submissions does not count toward it. Last evaluated 2026-01-26.

Conditions:
ALG13-related disorder. Also called: ALG13-related condition.
Developmental and epileptic encephalopathy, 36 (DEE36). Also called: ALG13-CDG; Congenital disorder of glycosylation, type Is; Epileptic encephalopathy, early infantile, 36. Identifiers: Orphanet 324422, MedGen C4317295, MONDO:0010472, OMIM 300884.

Allele frequency attached by ClinVar (database versions not stated): gnomAD exomes 0.00019; ExAC 0.00022; 1000 Genomes Project 30x 0.00042; 1000 Genomes Project 0.00053; gnomAD 0.00058 and 0.00060; TOPMed 0.00069; ESP Exome Variant Server 0.00074.
gnomAD v4.1: 130 of 1,209,823 alleles (0.011%); highest among the groups gnomAD compares: African/African-American, 0.19%; 1 homozygote.

Submissions (6):

Labcorp Genetics (formerly Invitae), Labcorp
Classification: Benign for Developmental and epileptic encephalopathy, 36. Last evaluated: 2026-01-26. Review status: criteria provided, single submitter. Criteria: Invitae Variant Classification Sherloc (09022015). Collection method: clinical testing. Allele origin: germline.

Blueprint Genetics
Classification: Likely benign. Last evaluated: 2024-09-24. Review status: criteria provided, single submitter. Criteria: ACMG Guidelines, 2015. Collection method: clinical testing. Allele origin: germline.

Fulgent Genetics
Classification: Likely benign for Developmental and epileptic encephalopathy, 36. Last evaluated: 2021-12-09. Review status: criteria provided, single submitter. Criteria: ACMG Guidelines, 2015. Collection method: clinical testing. Allele origin: unknown.

Genome-Nilou Lab
Classification: Benign for Developmental and epileptic encephalopathy, 36. Last evaluated: 2021-12-05. Review status: criteria provided, single submitter. Criteria: ACMG Guidelines, 2015. Collection method: clinical testing. Allele origin: germline. Affected: no.

GeneDx
Classification: Likely benign. Last evaluated: 2021-06-22. Review status: criteria provided, single submitter. Criteria: GeneDx Variant Classification Process June 2021. Collection method: clinical testing. Allele origin: germline. Affected: yes.

PreventionGenetics, part of Exact Sciences
Classification: Likely benign for ALG13-related condition. Last evaluated: 2020-08-20. Review status: no assertion criteria provided. Collection method: clinical testing. Allele origin: germline. Not counted in ClinVar's aggregate classification.
Comment: This variant is classified as likely benign based on ACMG/AMP sequence variant interpretation guidelines (Richards et al. 2015 PMID: 25741868, with internal and published modifications).